The following is an entry in ClinVar:

NM_001256007.3(PNPLA8):c.1048C>T (p.Arg350Ter)

Gene: PNPLA8 (patatin like domain 8, phospholipase A2; minus strand). Cytogenetic location: 7q31.1.
Variant type: single nucleotide variant.
Coding change: c.1048C>T on transcript NM_001256007.3 (MANE Select); coding-DNA position 1048, C replaced by T.
Protein change: p.Arg350Ter; replaces arginine 350 with a stop codon.
Molecular consequence: nonsense.
Genome position (GRCh38, 1-based): chr7:108,514,444, G>A on the plus strand (C>T on the coding strand, the complement: PNPLA8 is on the minus strand). VCF-style: chr7-108514444-G-A. GRCh37 (hg19) VCF-style: chr7-108154888-G-A.
Other names: c.1048C>T (NM_015723.4); c.748C>T, p.Arg250Ter (NM_001256010.3, NM_001256011.3); c.1048C>T, p.Arg350Ter (NM_015723.5, NM_001256008.3, NM_001256009.3); short protein forms R350*, R250*.
Identifiers: ClinVar variation 2992245 (VCV002992245.5), dbSNP rs1248710641, ClinGen allele CA368897501.

ClinVar aggregate classification (germline): Pathogenic/Likely pathogenic. Review status: criteria provided, multiple submitters, no conflicts (2 of 4 stars). 3 submissions from 3 submitters: Pathogenic (2); Likely pathogenic (1). Last evaluated 2024-09-08.

Conditions:
Mitochondrial myopathy-lactic acidosis-deafness syndrome. Identifiers: Orphanet 2597, MedGen C1855033, MONDO:0016825, OMIM 251950.

Allele frequency attached by ClinVar (database versions not stated): gnomAD exomes 0.00002.
gnomAD v4.1: 25 of 1,603,254 alleles (0.0016%); highest among the groups gnomAD compares: Non-Finnish European, 0.0019%; no homozygotes.

Submissions (3):

Laboratorio de Genetica e Diagnostico Molecular, Hospital Israelita Albert Einstein
Classification: Likely pathogenic for Mitochondrial myopathy-lactic acidosis-deafness syndrome. Last evaluated: 2024-09-08. Review status: criteria provided, single submitter. Criteria: ACMG Guidelines, 2015. Collection method: clinical testing. Allele origin: germline. Affected: yes.
Comment: ACMG classification criteria: PVS1 very strong, PM2 supporting

GeneDx
Classification: Pathogenic. Last evaluated: 2024-06-12. Review status: criteria provided, single submitter. Criteria: GeneDx Variant Classification Process June 2021. Collection method: clinical testing. Allele origin: germline. Affected: yes.
Comment: Nonsense variant predicted to result in protein truncation or nonsense mediated decay in a gene for which loss of function is a known mechanism of disease; Not observed at significant frequency in large population cohorts (gnomAD); Has not been previously published as pathogenic or benign to our knowledge

Labcorp Genetics (formerly Invitae), Labcorp
Classification: Pathogenic. Last evaluated: 2023-11-13. Review status: criteria provided, single submitter. Criteria: Invitae Variant Classification Sherloc (09022015). Collection method: clinical testing. Allele origin: germline.
Comment: This sequence change creates a premature translational stop signal (p.Arg350*) in the PNPLA8 gene. It is expected to result in an absent or disrupted protein product. Loss-of-function variants in PNPLA8 are known to be pathogenic (PMID: 29681094). This variant is present in population databases (no rsID available, gnomAD 0.002%). This variant has not been reported in the literature in individuals affected with PNPLA8-related conditions. For these reasons, this variant has been classified as Pathogenic.

Literature cited by the submitters: PubMed 29681094 (cited by Labcorp Genetics (formerly Invitae), Labcorp).